The following is an entry in ClinVar:

NM_000836.4(GRIN2D):c.193G>A (p.Glu65Lys)

Genes: GRIN2D (glutamate ionotropic receptor NMDA type subunit 2D; plus strand), LOC130064855 (ATAC-STARR-seq lymphoblastoid silent region 10879; plus strand). Cytogenetic location: 19q13.33.
Variant type: single nucleotide variant.
Coding change: c.193G>A on transcript NM_000836.4 (MANE Select); coding-DNA position 193, G replaced by A.
Protein change: p.Glu65Lys; replaces glutamic acid 65 with lysine.
Molecular consequence: missense variant.
Genome position (GRCh38, 1-based): chr19:48,398,585, G>A. VCF-style: chr19-48398585-G-A. GRCh37 (hg19) VCF-style: chr19-48901842-G-A.
Other names: c.193G>A (NM_000836.2); short protein forms E65K.
Identifiers: ClinVar variation 1491272 (VCV001491272.9), dbSNP rs1219277223, ClinGen allele CA406688474.

ClinVar aggregate classification (germline): Uncertain significance. Review status: criteria provided, multiple submitters, no conflicts (2 of 4 stars). 2 submissions from 2 submitters: Uncertain significance (2). Last evaluated 2025-06-09.

Conditions:
Inborn genetic diseases. Identifiers: MedGen C0950123, MeSH D030342.

Allele frequency attached by ClinVar (database versions not stated): gnomAD exomes 0.00001.
gnomAD v4.1: 13 of 1,199,020 alleles (0.0011%); highest among the groups gnomAD compares: South Asian, 0.004%; no homozygotes.

Submissions (2):

Ambry Genetics
Classification: Uncertain significance for Inborn genetic diseases. Last evaluated: 2025-06-09. Review status: criteria provided, single submitter. Criteria: Ambry Variant Classification Scheme 2023. Collection method: clinical testing. Allele origin: germline.

Labcorp Genetics (formerly Invitae), Labcorp
Classification: Uncertain significance. Last evaluated: 2024-01-14. Review status: criteria provided, single submitter. Criteria: Invitae Variant Classification Sherloc (09022015). Collection method: clinical testing. Allele origin: germline.
Comment: This sequence change replaces glutamic acid, which is acidic and polar, with lysine, which is basic and polar, at codon 65 of the GRIN2D protein (p.Glu65Lys). The frequency data for this variant in the population databases is considered unreliable, as metrics indicate insufficient coverage at this position in the gnomAD database. This variant has not been reported in the literature in individuals affected with GRIN2D-related conditions. ClinVar contains an entry for this variant (Variation ID: 1491272). Advanced modeling of protein sequence and biophysical properties (such as structural, functional, and spatial information, amino acid conservation, physicochemical variation, residue mobility, and thermodynamic stability) performed at Invitae indicates that this missense variant is not expected to disrupt GRIN2D protein function with a negative predictive value of 95%. In summary, the available evidence is currently insufficient to determine the role of this variant in disease. Therefore, it has been classified as a Variant of Uncertain Significance.